The following is an entry in ClinVar:

ClinVar aggregate classification (germline): Uncertain significance (1 of 4 stars; one submission).

Conditions:
Hereditary cancer-predisposing syndrome. Also called: Tumor predisposition; Neoplastic Syndromes, Hereditary; Hereditary Cancer Syndrome; Hereditary neoplastic syndrome. Identifiers: Orphanet 140162, MedGen C0027672, MeSH D009386, MONDO:0015356.

Submission:

Ambry Genetics
Classification: Uncertain significance for Hereditary cancer-predisposing syndrome. Last evaluated: 2024-10-16. Review status: criteria provided, single submitter. Criteria: Ambry Variant Classification Scheme 2023. Collection method: clinical testing. Allele origin: germline.
Comment: The p.V2759M variant (also known as c.8275G>A), located in coding exon 17 of the BRCA2 gene, results from a G to A substitution at nucleotide position 8275. The valine at codon 2759 is replaced by methionine, an amino acid with highly similar properties. This amino acid position is not well conserved in available vertebrate species. In addition, the in silico prediction for this alteration is inconclusive. Based on the available evidence, the clinical significance of this variant remains unclear.

NM_000059.4(BRCA2):c.8275G>A (p.Val2759Met)

Gene: BRCA2 (BRCA2 DNA repair associated; plus strand). Cytogenetic location: 13q13.1.
Variant type: single nucleotide variant.
Coding change: c.8275G>A on transcript NM_000059.4 (MANE Select); coding-DNA position 8275, G replaced by A.
Protein change: p.Val2759Met; replaces valine 2759 with methionine.
Molecular consequence: missense variant. On other transcripts: non-coding transcript variant (1).
Genome position (GRCh38, 1-based): chr13:32,363,477, G>A. VCF-style: chr13-32363477-G-A. GRCh37 (hg19) VCF-style: chr13-32937614-G-A.
Other names: c.8179G>A, p.Val2727Met (NM_001406719.1); c.8275G>A, p.Val2759Met (NM_001406720.1, NM_001432077.1); c.3343G>A, p.Val1115Met (NM_001406721.1); c.1858G>A, p.Val620Met (NM_001406722.1); short protein forms V2727M, V2759M, V1115M, V620M.
Identifiers: ClinVar variation 3482123 (VCV003482123.1).